The following is an entry in ClinVar:

ClinVar aggregate classification (germline): Uncertain significance. Review status: criteria provided, multiple submitters, no conflicts (2 of 4 stars). 7 submissions from 7 submitters: Uncertain significance (7). Last evaluated 2025-03-15.

Conditions:
Classic or attenuated familial adenomatous polyposis. Identifiers: MedGen CN372698, MONDO:0021057.
Hereditary cancer-predisposing syndrome. Also called: Tumor predisposition; Hereditary neoplastic syndrome; Neoplastic Syndromes, Hereditary; Hereditary Cancer Syndrome. Identifiers: Orphanet 140162, MedGen C0027672, MeSH D009386, MONDO:0015356.
Familial adenomatous polyposis 1 (FAP1). Also called: POLYPOSIS, ADENOMATOUS INTESTINAL; FAMILIAL ADENOMATOUS POLYPOSIS 1, ATTENUATED. Identifiers: MedGen C2713442, MONDO:0021056, OMIM 175100. Disease mechanism: loss of function.

gnomAD v4.1: 3 of 1,608,312 alleles (0.00019%); highest among the groups gnomAD compares: Non-Finnish European, 0.000085%; no homozygotes.

Submissions (7):

Ambry Genetics
Classification: Uncertain significance for Hereditary cancer-predisposing syndrome. Last evaluated: 2025-03-15. Review status: criteria provided, single submitter. Criteria: Ambry Variant Classification Scheme 2023. Collection method: clinical testing. Allele origin: germline.
Comment: The p.R217T variant (also known as c.650G>C), located in coding exon 6 of the APC gene, results from a G to C substitution at nucleotide position 650. The arginine at codon 217 is replaced by threonine, an amino acid with similar properties. This amino acid position is conserved. In addition, in silico predictors for this gene do not accurately predict pathogenicity. Based on the available evidence, the clinical significance of this variant remains unclear.

Center for Genomic Medicine, Rigshospitalet, Copenhagen University Hospital
Classification: Uncertain significance. Last evaluated: 2025-03-04. Review status: criteria provided, single submitter. Criteria: ACMG Guidelines, 2015. Collection method: clinical testing. Allele origin: germline.

GeneDx
Classification: Uncertain significance. Last evaluated: 2024-08-20. Review status: criteria provided, single submitter. Criteria: GeneDx Variant Classification Process June 2021. Collection method: clinical testing. Allele origin: germline. Affected: yes.
Comment: Not observed at significant frequency in large population cohorts (gnomAD); In silico analysis supports that this missense variant has a deleterious effect on protein structure/function; Has not been previously published as pathogenic or benign to our knowledge

All of Us Research Program, National Institutes of Health
Classification: Uncertain significance for Classic or attenuated familial adenomatous polyposis. Last evaluated: 2023-12-13. Review status: criteria provided, single submitter. Criteria: ACMG Guidelines, 2015. Collection method: clinical testing. Allele origin: germline. Inheritance: Autosomal dominant inheritance. Observed: 1 variant allele, 1 heterozygote.
Comment: This missense variant replaces arginine with threonine at codon 217 of the APC protein. Computational prediction suggests that this variant may have deleterious impact on protein structure and function (internally defined REVEL score threshold >= 0.7, PMID: 27666373). To our knowledge, functional studies have not been reported for this variant. This variant has not been reported in individuals affected with APC-related disorders in the literature. This variant has not been identified in the general population by the Genome Aggregation Database (gnomAD). The available evidence is insufficient to determine the role of this variant in disease conclusively. Therefore, this variant is classified as a Variant of Uncertain Significance.

This study involves interpretation of variants in research participants for the purpose of population health screening. Participant phenotype was not available at the time of variant classification. Additional details can be found in publication PMID: 35346344, PMCID: PMC8962531

Color Diagnostics, LLC DBA Color Health
Classification: Uncertain significance for Hereditary cancer-predisposing syndrome. Last evaluated: 2023-11-15. Review status: criteria provided, single submitter. Criteria: ACMG Guidelines, 2015. Collection method: clinical testing. Allele origin: germline.
Comment: This missense variant replaces arginine with threonine at codon 217 of the APC protein. Computational prediction suggests that this variant may have deleterious impact on protein structure and function. To our knowledge, functional studies have not been reported for this variant. This variant has not been reported in individuals affected with APC-related disorders in the literature. This variant has not been identified in the general population by the Genome Aggregation Database (gnomAD). The available evidence is insufficient to determine the role of this variant in disease conclusively. Therefore, this variant is classified as a Variant of Uncertain Significance.

Labcorp Genetics (formerly Invitae), Labcorp
Classification: Uncertain significance for Familial adenomatous polyposis 1. Last evaluated: 2023-03-14. Review status: criteria provided, single submitter. Criteria: Invitae Variant Classification Sherloc (09022015). Collection method: clinical testing. Allele origin: germline.
Comment: This variant is not present in population databases (gnomAD no frequency). This sequence change replaces arginine, which is basic and polar, with threonine, which is neutral and polar, at codon 217 of the APC protein (p.Arg217Thr). This variant has not been reported in the literature in individuals affected with APC-related conditions. In summary, the available evidence is currently insufficient to determine the role of this variant in disease. Therefore, it has been classified as a Variant of Uncertain Significance. Advanced modeling of protein sequence and biophysical properties (such as structural, functional, and spatial information, amino acid conservation, physicochemical variation, residue mobility, and thermodynamic stability) performed at Invitae indicates that this missense variant is not expected to disrupt APC protein function.

Institute of Human Genetics, University Hospital of Duesseldorf
Classification: Uncertain significance. Review status: criteria provided, single submitter. Criteria: ACMG Guidelines, 2015. Collection method: not provided. Allele origin: germline. Inheritance: Autosomal dominant inheritance. Affected: yes.

NM_000038.6(APC):c.650G>C (p.Arg217Thr)

Gene: APC (APC regulator of Wnt signaling pathway; plus strand). Cytogenetic location: 5q22.2.
Variant type: single nucleotide variant.
Coding change: c.650G>C on transcript NM_000038.6 (MANE Select); coding-DNA position 650, G replaced by C.
Protein change: p.Arg217Thr; replaces arginine 217 with threonine.
Molecular consequence: missense variant. On other transcripts: 5 prime UTR variant (4), non-coding transcript variant (2), intron variant (5).
Genome position (GRCh38, 1-based): chr5:112,792,450, G>C. VCF-style: chr5-112792450-G-C. GRCh37 (hg19) VCF-style: chr5-112128147-G-C.
Other names: c.680G>C, p.Arg227Thr (NM_001407446.1, NM_001354897.2, NM_001354902.2); c.650G>C, p.Arg217Thr (NM_001407447.1, NM_001127510.3, NM_001354895.2 and 12 more transcripts); c.575G>C, p.Arg192Thr (NM_001354898.2, NM_001354904.2, NM_001407451.1); c.473G>C, p.Arg158Thr (NM_001354900.2, NM_001354901.2, NM_001354905.2 and 1 more transcripts); c.-386G>C (NM_001354906.2, NM_001407470.1, NM_001407471.1 and 1 more transcripts); c.646-8829G>C (NM_001407452.1, NM_001407469.1, NM_001354899.2 and 1 more transcripts); c.676-8829G>C (NM_001127511.3); c.650G>C (NM_000038.5); short protein forms R158T, R192T, R217T, R227T.
Identifiers: ClinVar variation 2575449 (VCV002575449.8), dbSNP rs771428863, ClinGen allele CA16022755.